The following is an entry in ClinVar:

ClinVar aggregate classification (germline): Uncertain significance (1 of 4 stars; one submission).

Conditions:
VEGFC-related disorder. Also called: VEGFC-related condition.

Submission:

PreventionGenetics, part of Exact Sciences
Classification: Uncertain significance for VEGFC-related condition. Last evaluated: 2025-12-07. Review status: criteria provided, single submitter. Criteria: ACMG Guidelines, 2015. Collection method: clinical testing. Allele origin: germline.
Comment: The VEGFC c.2T>C variant is predicted to disrupt the translation initiation site (Start Loss). To our knowledge, this variant has not been reported in the literature or in a large population database (gnomAD), indicating this variant is rare. At this time, the clinical significance of this variant is uncertain due to the absence of conclusive functional and genetic evidence.

NM_005429.5(VEGFC):c.2T>C (p.Met1Thr)

Gene: VEGFC (vascular endothelial growth factor C; minus strand). Cytogenetic location: 4q34.3.
Variant type: single nucleotide variant.
Coding change: c.2T>C on transcript NM_005429.5 (MANE Select); coding-DNA position 2, T replaced by C.
Protein change: p.Met1Thr; changes the start codon (methionine 1).
Molecular consequence: missense variant, initiator codon variant.
Genome position (GRCh38, 1-based): chr4:176,792,310, A>G on the plus strand (T>C on the coding strand, the complement: VEGFC is on the minus strand). VCF-style: chr4-176792310-A-G. GRCh37 (hg19) VCF-style: chr4-177713464-A-G.
Other names: short protein forms M1T.
Identifiers: ClinVar variation 4996115 (VCV004996115.1).